The following is an entry in ClinVar:

ClinVar aggregate classification (germline): Pathogenic. Review status: criteria provided, multiple submitters, no conflicts (2 of 4 stars). 2 submissions from 2 submitters: Pathogenic (2). Last evaluated 2024-11-26.

Conditions:
Acrocallosal syndrome (ACLS). Also called: HALLUX DUPLICATION, POSTAXIAL POLYDACTYLY, AND ABSENCE OF CORPUS CALLOSUM; Schinzel syndrome 1; Absence of corpus callosum with unusual facial appearance, mental deficiency, duplication of the halluces and polydactyly. Identifiers: Orphanet 36, MedGen C0796147, MONDO:0008708, OMIM 200990.

Allele frequency attached by ClinVar (database versions not stated): TOPMed below 0.00001.

Submissions (2):

Labcorp Genetics (formerly Invitae), Labcorp
Classification: Pathogenic for Acrocallosal syndrome. Last evaluated: 2024-11-26. Review status: criteria provided, single submitter. Criteria: Invitae Variant Classification Sherloc (09022015). Collection method: clinical testing. Allele origin: germline.
Comment: This sequence change creates a premature translational stop signal (p.Ser1094*) in the KIF7 gene. It is expected to result in an absent or disrupted protein product. Loss-of-function variants in KIF7 are known to be pathogenic (PMID: 19666503, 21552264, 21633164, 26648833). This variant is not present in population databases (gnomAD no frequency). This variant has not been reported in the literature in individuals affected with KIF7-related conditions. ClinVar contains an entry for this variant (Variation ID: 451951). For these reasons, this variant has been classified as Pathogenic.

GeneDx
Classification: Pathogenic. Last evaluated: 2017-09-15. Review status: criteria provided, single submitter. Criteria: GeneDx Variant Classification (06012015). Collection method: clinical testing. Allele origin: germline. Affected: yes.
Comment: The S1094X variant in the KIF7 gene has not been reported previously as a pathogenic variant nor as a benign variant, to our knowledge. This variant is predicted to cause loss of normal protein function either through protein truncation or nonsense-mediated mRNA decay. The S1094X variant is not observed in large population cohorts (Lek et al., 2016; 1000 Genomes Consortium et al., 2015; Exome Variant Server). We interpret S1094X as a pathogenic variant.

Literature cited by the submitters: PubMed 19666503 (cited by Labcorp Genetics (formerly Invitae), Labcorp); PubMed 21552264 (cited by Labcorp Genetics (formerly Invitae), Labcorp); PubMed 21633164 (cited by Labcorp Genetics (formerly Invitae), Labcorp); PubMed 26648833 (cited by Labcorp Genetics (formerly Invitae), Labcorp).

NM_198525.3(KIF7):c.3281C>G (p.Ser1094Ter)

Gene: KIF7 (kinesin family member 7; minus strand). Cytogenetic location: 15q26.1.
Variant type: single nucleotide variant.
Coding change: c.3281C>G on transcript NM_198525.3 (MANE Select); coding-DNA position 3281, C replaced by G.
Protein change: p.Ser1094Ter; replaces serine 1094 with a stop codon.
Molecular consequence: nonsense.
Genome position (GRCh38, 1-based): chr15:89,630,324, G>C on the plus strand (C>G on the coding strand, the complement: KIF7 is on the minus strand). VCF-style: chr15-89630324-G-C. GRCh37 (hg19) VCF-style: chr15-90173555-G-C.
Other names: short protein forms S1094*.
Identifiers: ClinVar variation 451951 (VCV000451951.8), dbSNP rs1555423165, ClinGen allele CA393755872.
Genomic context (GRCh38, chr15:89,630,324, plus strand): 5'-GGGGCCATGGGCTGCTGGCCCACCTTGTCAAAATACTTGCAGAGGAGGGCTCTGGTCTCT[G>C]AGGATGAGAGGTAGCTGAGCTTGGCCATGAGGTTCATCTCGCACTGGGACAGCAACGAGG-3'